The following is an entry in ClinVar:

ClinVar aggregate classification (germline): Pathogenic (1 of 4 stars; one submission).

Submission:

Labcorp Genetics (formerly Invitae), Labcorp
Classification: Pathogenic. Last evaluated: 2023-04-07. Review status: criteria provided, single submitter. Criteria: Invitae Variant Classification Sherloc (09022015). Collection method: clinical testing. Allele origin: unknown.
Comment: For these reasons, this variant has been classified as Pathogenic. This variant has not been reported in the literature in individuals affected with BCS1L-related conditions. This variant results in the deletion of exons 1-8 and part of exon 9 (c.-2739_1147delinsTTCAGAGCTACAAACCAG) of the BCS1L gene. It is expected to result in an absent or disrupted protein product. Loss-of-function variants in BCS1L are known to be pathogenic (PMID: 12215968, 17314340, 19162478, 19508421, 22277166, 25895478).

Literature cited by the submitters: PubMed 12215968; PubMed 17314340; PubMed 19162478; PubMed 19508421; PubMed 22277166; PubMed 25895478.

NC_000002.11:g.(?_219521986)_(219527996_?)del

Genes: BCS1L (BCS1 homolog, ubiquinol-cytochrome c reductase complex chaperone; plus strand), ZNF142 (zinc finger protein 142; minus strand). Cytogenetic location: 2q35.
Variant type: Deletion.
Identifiers: ClinVar variation 3247519 (VCV003247519.1).